The following is an entry in ClinVar:

NM_003482.4(KMT2D):c.3649A>C (p.Ser1217Arg)

Genes: KMT2D (lysine methyltransferase 2D; minus strand), LOC126861520 (CDK7 strongly-dependent group 2 enhancer GRCh37_chr12:49442744-49443943; plus strand). Cytogenetic location: 12q13.12.
Variant type: single nucleotide variant.
Coding change: c.3649A>C on transcript NM_003482.4 (MANE Select); coding-DNA position 3649, A replaced by C.
Protein change: p.Ser1217Arg; replaces serine 1217 with arginine.
Molecular consequence: missense variant.
Genome position (GRCh38, 1-based): chr12:49,049,939, T>G on the plus strand (A>C on the coding strand, the complement: KMT2D is on the minus strand). VCF-style: chr12-49049939-T-G. GRCh37 (hg19) VCF-style: chr12-49443722-T-G.
Other names: short protein forms S1217R.
Identifiers: ClinVar variation 3033460 (VCV003033460.2), dbSNP rs2498443368, ClinGen allele CA384656097.
Genomic context (GRCh38, chr12:49,049,939, plus strand): 5'-AGCCACCCCCCTCCGGGTCTGGAGAGCCCAGGAGGGGCTCTGAGCCAGGAAAACTGGCAC[T>G]GGCATCACCCTGGCTCAGATTAGAGATCTCGTTAACGATGTCGGATTTGATGAGAGTGGG-3'
Protein context (NP_003473.3, residues 1207-1227): EISNLSQGDA[Ser1217Arg]ASFPGSEPLL

ClinVar aggregate classification (germline): Uncertain significance (0 of 4 stars; one submission).

Conditions:
KMT2D-related disorder. Also called: KMT2D-Related Disorders.

Submission:

PreventionGenetics, part of Exact Sciences
Classification: Uncertain significance for KMT2D-related condition. Last evaluated: 2023-12-19. Review status: no assertion criteria provided. Collection method: clinical testing. Allele origin: germline.
Comment: The KMT2D c.3649A>C variant is predicted to result in the amino acid substitution p.Ser1217Arg. To our knowledge, this variant has not been reported in the literature or in a large population database, indicating this variant is rare. At this time, the clinical significance of this variant is uncertain due to the absence of conclusive functional and genetic evidence.